The following is an entry in ClinVar:

ClinVar aggregate classification (germline): Conflicting classifications of pathogenicity. Review status: criteria provided, conflicting classifications (1 of 4 stars). 2 submissions from 2 submitters: Pathogenic (1); Uncertain significance (1). Last evaluated 2025-03-27.

Conditions:
PKD1-related disorder. Also called: PKD1-related condition.

Submissions (2):

PreventionGenetics, part of Exact Sciences
Classification: Pathogenic for PKD1-related condition. Last evaluated: 2025-03-27. Review status: criteria provided, single submitter. Criteria: ACMG Guidelines, 2015. Collection method: clinical testing. Allele origin: germline.
Comment: The PKD1 c.7209+5G>A variant is predicted to interfere with splicing. This variant has been reported in individuals with autosomal dominant polycystic kidney disease (ADPKD) (Xie et al. 2022. PubMed ID: 34257392; Table S1, Kimura et al. 2023. PubMed ID: 37509056). The minigene assay in Xie et al. study showed that this variant caused abnormal splicing, resulting in 69bp deletion (c.7141_7209del) in exon 17. Of note, within this interval, at least one missense variant, defined as c.7172G>A (p.Gly2391Asp), has been reported to be likely pathogenic for ADPKD, indicating this region is critical for the protein function (see for example, Hoefele et al. 2010. PubMed ID: 21115670; Supplementary Data, Lindemann et al. 2023. PubMed ID: 36938073). Loss-of-function is the disease causing mechanism for PKD1 to ADPKD. And small in-frame deletions were commonly reported to be pathogenic for ADPKD. This variant has not been reported in a large population database (gnomAD), indicating this variant is rare. Taken together, this variant is interpreted as pathogenic.

Athena Diagnostics
Classification: Uncertain significance. Last evaluated: 2019-02-11. Review status: criteria provided, single submitter. Criteria: Athena Diagnostics Criteria. Collection method: clinical testing. Allele origin: germline.

NM_001009944.3(PKD1):c.7209+5G>A

Gene: PKD1 (polycystin 1, transient receptor potential channel interacting; minus strand). Cytogenetic location: 16p13.3.
Variant type: single nucleotide variant.
Coding change: c.7209+5G>A on transcript NM_001009944.3 (MANE Select); 5 bases into the intron after coding-DNA position 7209, G replaced by A.
Molecular consequence: intron variant.
Genome position (GRCh38, 1-based): chr16:2,106,800, C>T on the plus strand (G>A on the coding strand, the complement: PKD1 is on the minus strand). VCF-style: chr16-2106800-C-T. GRCh37 (hg19) VCF-style: chr16-2156801-C-T.
Other names: c.7209+5G>A (NM_000296.4, NM_001009944.2).
Identifiers: ClinVar variation 805177 (VCV000805177.2), dbSNP rs1596543034, ClinGen allele CA915949031.